The following is an entry in ClinVar:

ClinVar aggregate classification (germline): Uncertain significance (1 of 4 stars; one submission).

Conditions:
Familial hemophagocytic lymphohistiocytosis 3 (FHL3). Also called: UNC13D-Related Familial Hemophagocytic Lymphohistiocytosis (UNC13D-fHLH). Identifiers: Orphanet 540, MedGen C1837174, MONDO:0012146, OMIM 608898.

Allele frequency attached by ClinVar (database versions not stated): gnomAD 0.00001; gnomAD exomes 0.00001; TOPMed 0.00002.
gnomAD v4.1: 20 of 1,559,214 alleles (0.0013%); highest among the groups gnomAD compares: African/African-American, 0.0041%; no homozygotes.

Submission:

Labcorp Genetics (formerly Invitae), Labcorp
Classification: Uncertain significance for Familial hemophagocytic lymphohistiocytosis 3. Last evaluated: 2022-08-16. Review status: criteria provided, single submitter. Criteria: Invitae Variant Classification Sherloc (09022015). Collection method: clinical testing. Allele origin: germline.
Comment: This sequence change replaces arginine, which is basic and polar, with tryptophan, which is neutral and slightly polar, at codon 893 of the UNC13D protein (p.Arg893Trp). The frequency data for this variant in the population databases is considered unreliable, as metrics indicate poor data quality at this position in the gnomAD database. This variant has not been reported in the literature in individuals affected with UNC13D-related conditions. ClinVar contains an entry for this variant (Variation ID: 1019376). Algorithms developed to predict the effect of missense changes on protein structure and function are either unavailable or do not agree on the potential impact of this missense change (SIFT: "Not Available"; PolyPhen-2: "Possibly Damaging"; Align-GVGD: "Not Available"). In summary, the available evidence is currently insufficient to determine the role of this variant in disease. Therefore, it has been classified as a Variant of Uncertain Significance.

NM_199242.3(UNC13D):c.2677C>T (p.Arg893Trp)

Genes: UNC13D (unc-13 homolog D; minus strand), LOC112533672 (Sharpr-MPRA regulatory region 1193; plus strand). Cytogenetic location: 17q25.1.
Variant type: single nucleotide variant.
Coding change: c.2677C>T on transcript NM_199242.3 (MANE Select); coding-DNA position 2677, C replaced by T.
Protein change: p.Arg893Trp; replaces arginine 893 with tryptophan.
Molecular consequence: missense variant.
Genome position (GRCh38, 1-based): chr17:75,830,610, G>A on the plus strand (C>T on the coding strand, the complement: UNC13D is on the minus strand). VCF-style: chr17-75830610-G-A. GRCh37 (hg19) VCF-style: chr17-73826691-G-A.
Other names: short protein forms R893W.
Identifiers: ClinVar variation 1019376 (VCV001019376.8), dbSNP rs886412971, ClinGen allele CA294084564.